The following is an entry in ClinVar:

NM_003361.4(UMOD):c.767G>C (p.Cys256Ser)

Gene: UMOD (uromodulin; minus strand). Cytogenetic location: 16p12.3.
Variant type: single nucleotide variant.
Coding change: c.767G>C on transcript NM_003361.4 (MANE Select); coding-DNA position 767, G replaced by C.
Protein change: p.Cys256Ser; replaces cysteine 256 with serine.
Molecular consequence: missense variant. On other transcripts: non-coding transcript variant (1).
Genome position (GRCh38, 1-based): chr16:20,348,534, C>G on the plus strand (G>C on the coding strand, the complement: UMOD is on the minus strand). VCF-style: chr16-20348534-C-G. GRCh37 (hg19) VCF-style: chr16-20359856-C-G.
Other names: c.767G>C, p.Cys256Ser (NM_001008389.3, NM_001378232.1, NM_001378233.1 and 3 more transcripts); c.866G>C, p.Cys289Ser (NM_001278614.2); short protein forms C256S, C289S.
Identifiers: ClinVar variation 3066261 (VCV003066261.3), dbSNP rs2507386350, ClinGen allele CA394984597.

ClinVar aggregate classification (germline): Likely pathogenic. Review status: criteria provided, multiple submitters, no conflicts (2 of 4 stars). 2 submissions from 2 submitters: Likely pathogenic (2). Last evaluated 2026-01-09.

Conditions:
Familial juvenile hyperuricemic nephropathy type 1 (ADTKD1). Also called: UMOD-Associated Kidney Disease; Uromodulin-associated kidney disease; Autosomal Dominant Tubulointerstitial Kidney Disease – UMOD; Glomerulocystic kidney disease with hyperuricemia and isosthenuria; Medullary cystic kidney disease 2. Identifiers: Orphanet 209886, Orphanet 34149, Orphanet 88950, MedGen C4551496, MONDO:0008073, OMIM 162000.

Submissions (2):

Labcorp Genetics (formerly Invitae), Labcorp
Classification: Likely pathogenic. Last evaluated: 2026-01-09. Review status: criteria provided, single submitter. Criteria: Invitae Variant Classification Sherloc (09022015). Collection method: clinical testing. Allele origin: germline.
Comment: This sequence change replaces cysteine, which is neutral and slightly polar, with serine, which is neutral and polar, at codon 256 of the UMOD protein (p.Cys256Ser). This variant is not present in population databases (gnomAD no frequency). This missense change has been observed in individual(s) with clinical features of UMOD-related conditions (internal data). ClinVar contains an entry for this variant (Variation ID: 3066261). Invitae Evidence Modeling of protein sequence and biophysical properties (such as structural, functional, and spatial information, amino acid conservation, physicochemical variation, residue mobility, and thermodynamic stability) indicates that this missense variant is expected to disrupt UMOD protein function with a positive predictive value of 80%. This variant disrupts the p.Cys256 amino acid residue in UMOD. Other variant(s) that disrupt this residue have been observed in individuals with UMOD-related conditions (PMID: 22237754, 33616882, 35643372), which suggests that this may be a clinically significant amino acid residue. In summary, the currently available evidence indicates that the variant is pathogenic, but additional data are needed to prove that conclusively. Therefore, this variant has been classified as Likely Pathogenic.

MVZ Medizinische Genetik Mainz
Classification: Likely pathogenic for Familial juvenile hyperuricemic nephropathy type 1. Last evaluated: 2023-03-07. Review status: criteria provided, single submitter. Criteria: UK Practice Guidelines For Variant Classification V4 01 2020. Collection method: clinical testing. Allele origin: germline. Inheritance: Autosomal dominant inheritance. Affected: yes. Observed: 2 variant alleles.
Comment: ACMG Criteria: PM5, PM1, PM2_SUP, PP3, PP4 (ACMG Version 4)

Literature cited by the submitters: PubMed 22237754 (cited by Labcorp Genetics (formerly Invitae), Labcorp); PubMed 33616882 (cited by Labcorp Genetics (formerly Invitae), Labcorp); PubMed 35643372 (cited by Labcorp Genetics (formerly Invitae), Labcorp).